The following is an entry in ClinVar:

ClinVar aggregate classification (germline): Benign (1 of 4 stars; one submission).

Conditions:
Familial adenomatous polyposis 1 (FAP1). Also called: FAMILIAL ADENOMATOUS POLYPOSIS 1, ATTENUATED; POLYPOSIS, ADENOMATOUS INTESTINAL. Identifiers: MedGen C2713442, MONDO:0021056, OMIM 175100. Disease mechanism: loss of function.

Submission:

Myriad Genetics, Inc.
Classification: Benign for Familial adenomatous polyposis 1. Last evaluated: 2024-04-02. Review status: criteria provided, single submitter. Criteria: Myriad Autosomal Dominant, Autosomal Recessive and X-Linked Classification Criteria (2023). Collection method: clinical testing. Allele origin: unknown.
Comment: This variant is considered benign. This variant is a silent/synonymous amino acid change and it is not expected to impact splicing.

NM_000038.6(APC):c.5727G>A (p.Lys1909=)

Gene: APC (APC regulator of Wnt signaling pathway; plus strand). Cytogenetic location: 5q22.2.
Variant type: single nucleotide variant.
Coding change: c.5727G>A on transcript NM_000038.6 (MANE Select); coding-DNA position 5727, G replaced by A.
Protein change: p.Lys1909=; no amino-acid change (lysine 1909 retained).
Molecular consequence: synonymous variant. On other transcripts: non-coding transcript variant (2).
Genome position (GRCh38, 1-based): chr5:112,841,321, G>A. VCF-style: chr5-112841321-G-A. GRCh37 (hg19) VCF-style: chr5-112177018-G-A.
Other names: c.5727G>A, p.Lys1909= (NM_001127510.3, NM_001354895.2, NM_001407450.1); c.5673G>A, p.Lys1891= (NM_001127511.3); c.5781G>A, p.Lys1927= (NM_001354896.2, NM_001407447.1, NM_001407448.1 and 1 more transcripts); c.5757G>A, p.Lys1919= (NM_001354897.2); c.5652G>A, p.Lys1884= (NM_001354898.2); c.5643G>A, p.Lys1881= (NM_001354899.2); c.5604G>A, p.Lys1868= (NM_001354900.2); c.5550G>A, p.Lys1850= (NM_001354901.2, NM_001407453.1); and 11 more.
Identifiers: ClinVar variation 3254462 (VCV003254462.1), dbSNP rs2149947586.